The following is an entry in ClinVar:

ClinVar aggregate classification (germline): Uncertain significance. Review status: criteria provided, multiple submitters, no conflicts (2 of 4 stars). 2 submissions from 2 submitters: Uncertain significance (2). Last evaluated 2026-09-24.

Conditions:
Neuronopathy, distal hereditary motor, autosomal recessive 5. Also called: NEUROPATHY, DISTAL HEREDITARY MOTOR, AUTOSOMAL RECESSIVE 5; Young adult-onset distal hereditary motor neuropathy; Spinal muscular atrophy, distal, autosomal recessive, 5. Identifiers: Orphanet 314485, Orphanet 443950, MedGen C4749918, MONDO:0013947, OMIM 614881.

Allele frequency attached by ClinVar (database versions not stated): gnomAD 0.00003 and 0.00004; ExAC 0.00006; gnomAD exomes 0.00003 and 0.00006; ESP Exome Variant Server 0.00015; TOPMed 0.00005.
gnomAD v4.1: 23 of 1,614,070 alleles (0.0014%); highest among the groups gnomAD compares: Admixed American, 0.023%; no homozygotes.

Submissions (2):

GeneDx
Classification: Uncertain significance. Last evaluated: 2026-09-24. Review status: criteria provided, single submitter. Criteria: GeneDx Variant Classification Process June 2021. Collection method: clinical testing. Allele origin: germline.
Comment: In silico analysis supports that this missense variant has a deleterious effect on protein structure/function; Has not been previously published as pathogenic or benign to our knowledge

Labcorp Genetics (formerly Invitae), Labcorp
Classification: Uncertain significance for Neuronopathy, distal hereditary motor, autosomal recessive 5. Last evaluated: 2023-06-30. Review status: criteria provided, single submitter. Criteria: Invitae Variant Classification Sherloc (09022015). Collection method: clinical testing. Allele origin: germline.
Comment: In summary, the available evidence is currently insufficient to determine the role of this variant in disease. Therefore, it has been classified as a Variant of Uncertain Significance. Advanced modeling of protein sequence and biophysical properties (such as structural, functional, and spatial information, amino acid conservation, physicochemical variation, residue mobility, and thermodynamic stability) performed at Invitae indicates that this missense variant is not expected to disrupt DNAJB2 protein function. ClinVar contains an entry for this variant (Variation ID: 245771). This variant has not been reported in the literature in individuals affected with DNAJB2-related conditions. This variant is present in population databases (rs145429721, gnomAD 0.03%). This sequence change replaces arginine, which is basic and polar, with glutamine, which is neutral and polar, at codon 104 of the DNAJB2 protein (p.Arg104Gln).

NM_006736.6(DNAJB2):c.311G>A (p.Arg104Gln)

Gene: DNAJB2 (DnaJ heat shock protein family (Hsp40) member B2; plus strand). Cytogenetic location: 2q35.
Variant type: single nucleotide variant.
Coding change: c.311G>A on transcript NM_006736.6 (MANE Select); coding-DNA position 311, G replaced by A.
Protein change: p.Arg104Gln; replaces arginine 104 with glutamine.
Molecular consequence: missense variant.
Genome position (GRCh38, 1-based): chr2:219,282,020, G>A. VCF-style: chr2-219282020-G-A. GRCh37 (hg19) VCF-style: chr2-220146742-G-A.
Other names: c.311G>A, p.Arg104Gln (NM_001039550.2); short protein forms R104Q.
Identifiers: ClinVar variation 245771 (VCV000245771.11), dbSNP rs145429721, ClinGen allele CA2122907.